The following is an entry in ClinVar:

NM_001791.4(CDC42):c.105+126T>A

Gene: CDC42 (cell division cycle 42; plus strand). Cytogenetic location: 1p36.12.
Variant type: single nucleotide variant.
Coding change: c.105+126T>A on transcript NM_001791.4 (MANE Select); 126 bases into the intron after coding-DNA position 105, T replaced by A.
Molecular consequence: intron variant.
Genome position (GRCh38, 1-based): chr1:22,078,709, T>A. VCF-style: chr1-22078709-T-A. GRCh37 (hg19) VCF-style: chr1-22405202-T-A.
Other names: c.105+126T>A (NM_001039802.2, NM_044472.3).
Identifiers: ClinVar variation 1694498 (VCV001694498.31), dbSNP rs75284716, ClinGen allele CA675041.

ClinVar aggregate classification (germline): Benign (1 of 4 stars; one submission).

Allele frequency attached by ClinVar (database versions not stated): 1000 Genomes Project 0.00160; 1000 Genomes Project 30x 0.00203; TOPMed 0.00605; gnomAD exomes 0.00698 and 0.01112; ExAC 0.00738; gnomAD 0.00780 and 0.00815.
gnomAD v4.1: 16,102 of 1,509,282 alleles (1.1%); highest among the groups gnomAD compares: Non-Finnish European, 1.3%; 102 homozygotes.

Submission:

CeGaT Center for Human Genetics Tuebingen
Classification: Benign. Last evaluated: 2023-07-01. Review status: criteria provided, single submitter. Criteria: CeGaT Center For Human Genetics Tuebingen Variant Classification Criteria Version 2. Collection method: clinical testing. Allele origin: germline. Affected: yes. Observed: 8 variant alleles.
Comment: CDC42: BS1, BS2